The following is an entry in ClinVar:

NM_020366.4(RPGRIP1):c.3230C>T (p.Pro1077Leu)

Gene: RPGRIP1 (RPGR interacting protein 1; plus strand). Cytogenetic location: 14q11.2.
Variant type: single nucleotide variant.
Coding change: c.3230C>T on transcript NM_020366.4 (MANE Select); coding-DNA position 3230, C replaced by T.
Protein change: p.Pro1077Leu; replaces proline 1077 with leucine.
Molecular consequence: missense variant.
Genome position (GRCh38, 1-based): chr14:21,330,379, C>T. VCF-style: chr14-21330379-C-T. GRCh37 (hg19) VCF-style: chr14-21798538-C-T.
Other names: c.1208C>T, p.Pro403Leu (NM_001377523.1); c.2156C>T, p.Pro719Leu (NM_001377948.1); c.1316C>T, p.Pro439Leu (NM_001377949.1); c.1205C>T, p.Pro402Leu (NM_001377950.1); c.710C>T, p.Pro237Leu (NM_001377951.1); short protein forms P237L, P403L, P719L, P439L, P1077L, P402L.
Identifiers: ClinVar variation 1349954 (VCV001349954.8), dbSNP rs2139264096, ClinGen allele CA388872369.
Genomic context (GRCh38, chr14:21,330,379, plus strand): 5'-ACGAGGAAGAGGAAATGACATTATCCCATTCAGCACTGAAACAGAAGGAACCTCTACATC[C>T]TGTAAATGGTATTGTCTTTTAAAATCTATTTTTTTTCCTAGCACTTTGGGAGGCCGAGGT-3'
Protein context (NP_065099.3, residues 1067-1087): SALKQKEPLH[Pro1077Leu]VNDKESSEQG

ClinVar aggregate classification (germline): Uncertain significance (1 of 4 stars; one submission).

Conditions:
Leber congenital amaurosis 6 (LCA6). Identifiers: Orphanet 65, MedGen C1854260, MONDO:0013446, OMIM 613826.
Cone-rod dystrophy 13 (CORD13). Identifiers: Orphanet 1872, MedGen C2750720, MONDO:0011987, OMIM 608194.

Submission:

Labcorp Genetics (formerly Invitae), Labcorp
Classification: Uncertain significance for Leber congenital amaurosis 6; Cone-rod dystrophy 13. Last evaluated: 2021-04-29. Review status: criteria provided, single submitter. Criteria: Invitae Variant Classification Sherloc (09022015). Collection method: clinical testing. Allele origin: germline.
Comment: In summary, the available evidence is currently insufficient to determine the role of this variant in disease. Therefore, it has been classified as a Variant of Uncertain Significance. This variant is not present in population databases (ExAC no frequency). This sequence change replaces proline with leucine at codon 1077 of the RPGRIP1 protein (p.Pro1077Leu). The proline residue is highly conserved and there is a moderate physicochemical difference between proline and leucine. This variant has not been reported in the literature in individuals with RPGRIP1-related conditions. Algorithms developed to predict the effect of missense changes on protein structure and function output the following: SIFT: "Deleterious"; PolyPhen-2: "Benign"; Align-GVGD: "Class C0". The leucine amino acid residue is found in multiple mammalian species, suggesting that this missense change does not adversely affect protein function. These predictions have not been confirmed by published functional studies and their clinical significance is uncertain.